The following is an entry in ClinVar:

ClinVar aggregate classification (germline): Uncertain significance (1 of 4 stars; one submission).

Allele frequency attached by ClinVar (database versions not stated): ExAC 0.00001; ESP Exome Variant Server 0.00008.
gnomAD v4.1: 40 of 1,613,988 alleles (0.0025%); highest among the groups gnomAD compares: East Asian, 0.067%; no homozygotes.

Submission:

Labcorp Genetics (formerly Invitae), Labcorp
Classification: Uncertain significance. Last evaluated: 2022-12-30. Review status: criteria provided, single submitter. Criteria: Invitae Variant Classification Sherloc (09022015). Collection method: clinical testing. Allele origin: germline.
Comment: In summary, the available evidence is currently insufficient to determine the role of this variant in disease. Therefore, it has been classified as a Variant of Uncertain Significance. Algorithms developed to predict the effect of missense changes on protein structure and function are either unavailable or do not agree on the potential impact of this missense change (SIFT: "Tolerated"; PolyPhen-2: "Possibly Damaging"; Align-GVGD: "Class C0"). This variant has not been reported in the literature in individuals affected with DSCAML1-related conditions. This variant is present in population databases (rs368641418, gnomAD 0.008%). This sequence change replaces valine, which is neutral and non-polar, with methionine, which is neutral and non-polar, at codon 1166 of the DSCAML1 protein (p.Val1166Met).

NM_020693.4(DSCAML1):c.3316G>A (p.Val1106Met)

Gene: DSCAML1 (DS cell adhesion molecule like 1; minus strand). Cytogenetic location: 11q23.3.
Variant type: single nucleotide variant.
Coding change: c.3316G>A on transcript NM_020693.4 (MANE Select); coding-DNA position 3316, G replaced by A.
Protein change: p.Val1106Met; replaces valine 1106 with methionine.
Molecular consequence: missense variant.
Genome position (GRCh38, 1-based): chr11:117,461,546, C>T on the plus strand (G>A on the coding strand, the complement: DSCAML1 is on the minus strand). VCF-style: chr11-117461546-C-T. GRCh37 (hg19) VCF-style: chr11-117332262-C-T.
Other names: short protein forms V1106M.
Identifiers: ClinVar variation 2979367 (VCV002979367.3), dbSNP rs368641418, ClinGen allele CA6296733.